The following is an entry in ClinVar:

ClinVar aggregate classification (germline): Uncertain significance (1 of 4 stars; one submission).

Conditions:
Hereditary cancer-predisposing syndrome. Also called: Hereditary Cancer Syndrome; Neoplastic Syndromes, Hereditary; Tumor predisposition; Hereditary neoplastic syndrome. Identifiers: Orphanet 140162, MedGen C0027672, MeSH D009386, MONDO:0015356.

Submission:

Ambry Genetics
Classification: Uncertain significance for Hereditary cancer-predisposing syndrome. Last evaluated: 2026-08-15. Review status: criteria provided, single submitter. Criteria: Ambry Variant Classification Scheme 2023. Collection method: clinical testing. Allele origin: germline.
Comment: The p.E1069V variant (also known as c.3206A>T), located in coding exon 19 of the DICER1 gene, results from an A to T substitution at nucleotide position 3206. The glutamic acid at codon 1069 is replaced by valine, an amino acid with dissimilar properties. This amino acid position is conserved. In addition, this alteration is predicted to be deleterious by in silico analysis. Based on the available evidence, the clinical significance of this variant remains unclear.

NM_177438.3(DICER1):c.3206A>T (p.Glu1069Val)

Gene: DICER1 (dicer 1, ribonuclease III; minus strand). Cytogenetic location: 14q32.13.
Variant type: single nucleotide variant.
Coding change: c.3206A>T on transcript NM_177438.3 (MANE Select); coding-DNA position 3206, A replaced by T.
Protein change: p.Glu1069Val; replaces glutamic acid 1069 with valine.
Molecular consequence: missense variant. On other transcripts: non-coding transcript variant (6).
Genome position (GRCh38, 1-based): chr14:95,105,134, T>A on the plus strand (A>T on the coding strand, the complement: DICER1 is on the minus strand). VCF-style: chr14-95105134-T-A. GRCh37 (hg19) VCF-style: chr14-95571471-T-A.
Other names: c.3206A>T, p.Glu1069Val (NM_001195573.1, NM_001271282.3, NM_001291628.2 and 12 more transcripts); c.2924A>T, p.Glu975Val (NM_001395686.1); c.2801A>T, p.Glu934Val (NM_001395687.1, NM_001395688.1, NM_001395689.1 and 2 more transcripts); c.2639A>T, p.Glu880Val (NM_001395691.1); c.1523A>T, p.Glu508Val (NM_001395697.1); short protein forms E880V, E934V, E508V, E975V, E1069V.
Identifiers: ClinVar variation 5035227 (VCV005035227.1).